The following is an entry in ClinVar:

ClinVar aggregate classification (germline): Pathogenic (1 of 4 stars; one submission).

Conditions:
Curry-Hall syndrome (WAD). Also called: WEYERS ACRODENTAL DYSOSTOSIS. Identifiers: Orphanet 952, MedGen C0457013, MONDO:0008673, OMIM 193530.
Ellis-van Creveld syndrome (EVC). Also called: MESOECTODERMAL DYSPLASIA; EVC-Related Ellis-van Creveld Syndrome; EVC2-Related Ellis-van Creveld Syndrome; Chondroectodermal dysplasia. Identifiers: Orphanet 289, MedGen C0013903, MONDO:0009162, OMIM 225500.

Submission:

Labcorp Genetics (formerly Invitae), Labcorp
Classification: Pathogenic for Curry-Hall syndrome; Ellis-van Creveld syndrome. Last evaluated: 2021-08-15. Review status: criteria provided, single submitter. Criteria: Invitae Variant Classification Sherloc (09022015). Collection method: clinical testing. Allele origin: germline.
Comment: For these reasons, this variant has been classified as Pathogenic. This variant has not been reported in the literature in individuals affected with EVC2-related conditions. This variant is a gross deletion of the genomic region encompassing exon(s) 1-16 of the EVC2 gene, which includes the initiator codon. This deletion extends beyond the assayed region for this gene and therefore may encompass additional genes. It is expected to result in an absent or disrupted protein product. Loss-of-function variants in EVC2 are known to be pathogenic (PMID: 17024374, 19810119, 19876929).

Literature cited by the submitters: PubMed 17024374; PubMed 19810119; PubMed 19876929.

NC_000004.11:g.(?_5617139)_(5812774_?)del

Genes: EVC (EvC ciliary complex subunit 1; plus strand), EVC2 (EvC ciliary complex subunit 2; minus strand). Cytogenetic location: 4p16.2.
Variant type: Deletion.
Identifiers: ClinVar variation 2427345 (VCV002427345.4).